The following is an entry in ClinVar:

ClinVar aggregate classification (germline): Uncertain significance (1 of 4 stars; one submission).

Allele frequency attached by ClinVar (database versions not stated): gnomAD 0.00001; TOPMed 0.00001; gnomAD exomes 0.00003.
gnomAD v4.1: 40 of 1,614,078 alleles (0.0025%); highest among the groups gnomAD compares: Non-Finnish European, 0.0033%; no homozygotes.

Submission:

Labcorp Genetics (formerly Invitae), Labcorp
Classification: Uncertain significance. Last evaluated: 2024-10-23. Review status: criteria provided, single submitter. Criteria: Invitae Variant Classification Sherloc (09022015). Collection method: clinical testing. Allele origin: germline.
Comment: This sequence change replaces methionine, which is neutral and non-polar, with threonine, which is neutral and polar, at codon 905 of the TRRAP protein (p.Met905Thr). This variant is not present in population databases (gnomAD no frequency). This variant has not been reported in the literature in individuals affected with TRRAP-related conditions. Invitae Evidence Modeling of protein sequence and biophysical properties (such as structural, functional, and spatial information, amino acid conservation, physicochemical variation, residue mobility, and thermodynamic stability) has been performed for this missense variant. However, the output from this modeling did not meet the statistical confidence thresholds required to predict the impact of this variant on TRRAP protein function. In summary, the available evidence is currently insufficient to determine the role of this variant in disease. Therefore, it has been classified as a Variant of Uncertain Significance.

NM_001375524.1(TRRAP):c.2714T>C (p.Met905Thr)

Gene: TRRAP (transformation/transcription domain associated protein; plus strand). Cytogenetic location: 7q22.1.
Variant type: single nucleotide variant.
Coding change: c.2714T>C on transcript NM_001375524.1 (MANE Select); coding-DNA position 2714, T replaced by C.
Protein change: p.Met905Thr; replaces methionine 905 with threonine.
Molecular consequence: missense variant.
Genome position (GRCh38, 1-based): chr7:98,921,844, T>C. VCF-style: chr7-98921844-T-C. GRCh37 (hg19) VCF-style: chr7-98519467-T-C.
Other names: c.2714T>C, p.Met905Thr (NM_003496.4, NM_001244580.2); short protein forms M905T.
Identifiers: ClinVar variation 2997919 (VCV002997919.3), dbSNP rs1433872387, ClinGen allele CA368294123.